The following is an entry in ClinVar:

NM_001134363.3(RBM20):c.2584A>G (p.Ser862Gly)

Gene: RBM20 (RNA binding motif protein 20; plus strand). Cytogenetic location: 10q25.2.
Variant type: single nucleotide variant.
Coding change: c.2584A>G on transcript NM_001134363.3 (MANE Select); coding-DNA position 2584, A replaced by G.
Protein change: p.Ser862Gly; replaces serine 862 with glycine.
Molecular consequence: missense variant.
Genome position (GRCh38, 1-based): chr10:110,820,105, A>G. VCF-style: chr10-110820105-A-G. GRCh37 (hg19) VCF-style: chr10-112579863-A-G.
Other names: short protein forms S862G.
Identifiers: ClinVar variation 4151611 (VCV004151611.2).

ClinVar aggregate classification (germline): Uncertain significance (1 of 4 stars; one submission).

Conditions:
Cardiovascular phenotype. Identifiers: MedGen CN230736.

Submission:

Ambry Genetics
Classification: Uncertain significance for Cardiovascular phenotype. Last evaluated: 2026-09-11. Review status: criteria provided, single submitter. Criteria: Ambry Variant Classification Scheme 2023. Collection method: clinical testing. Allele origin: germline.
Comment: The p.S862G variant (also known as c.2584A>G), located in coding exon 10 of the RBM20 gene, results from an A to G substitution at nucleotide position 2584. The serine at codon 862 is replaced by glycine, an amino acid with similar properties. This amino acid position is conserved. In addition, this alteration is predicted to be tolerated by in silico analysis. Based on the available evidence, the clinical significance of this variant remains unclear.